The following is an entry in ClinVar:

NM_001367624.2(ZNF469):c.1994C>T (p.Pro665Leu)

Gene: ZNF469 (zinc finger protein 469; plus strand). Cytogenetic location: 16q24.2.
Variant type: single nucleotide variant.
Coding change: c.1994C>T on transcript NM_001367624.2 (MANE Select); coding-DNA position 1994, C replaced by T.
Protein change: p.Pro665Leu; replaces proline 665 with leucine.
Molecular consequence: missense variant.
Genome position (GRCh38, 1-based): chr16:88,429,464, C>T. VCF-style: chr16-88429464-C-T. GRCh37 (hg19) VCF-style: chr16-88495872-C-T.
Other names: NM_001127464.1:c.1994C>T; NM_001127464.2:c.1994C>T; p.Pro665Leu; short protein forms P665L.
Identifiers: ClinVar variation 320878 (VCV000320878.62), dbSNP rs184583062, ClinGen allele CA8224733.

ClinVar aggregate classification (germline): Benign/Likely benign. Review status: criteria provided, multiple submitters, no conflicts (2 of 4 stars). 10 submissions from 10 submitters: Benign (7); Likely benign (3). Last evaluated 2026-09-01.

Conditions:
Cardiovascular phenotype. Identifiers: MedGen CN230736.
Ehlers-Danlos syndrome (EDS). Identifiers: Orphanet 98249, MedGen C0013720, MONDO:0020066.
Brittle cornea syndrome 1 (BCS1). Also called: Corneal fragility keratoglobus, blue sclerae AND joint hypermobility; DYSGENESIS MESODERMALIS CORNEAE ET SCLERAE; CORNEAL FRAGILITY, KERATOGLOBUS, BLUE SCLERAE, JOINT HYPEREXTENSIBILITY; EDS6B; FRAGILITAS OCULI WITH JOINT HYPEREXTENSIBILITY. Identifiers: Orphanet 90354, MedGen C0268344, MONDO:0024543, OMIM 229200.
ZNF469-related disorder. Also called: ZNF469-related condition.

Allele frequency attached by ClinVar (database versions not stated): ExAC 0.00237; 1000 Genomes Project 0.00260; 1000 Genomes Project 30x 0.00265; gnomAD exomes 0.00570 and 0.00810; gnomAD 0.00573 and 0.00587; TOPMed 0.00577.
gnomAD v4.1: 12,130 of 1,549,852 alleles (0.78%); highest among the groups gnomAD compares: Non-Finnish European, 0.93%; 58 homozygotes.

Submissions (10):

CeGaT Center for Human Genetics Tuebingen
Classification: Likely benign. Last evaluated: 2026-09-01. Review status: criteria provided, single submitter. Criteria: CeGaT Center For Human Genetics Tuebingen Variant Classification Criteria Version 2. Collection method: clinical testing. Allele origin: germline. Affected: yes. Observed: 40 variant alleles.
Comment: ZNF469: BS2

PreventionGenetics, part of Exact Sciences
Classification: Benign for ZNF469-related condition. Last evaluated: 2026-08-13. Review status: criteria provided, single submitter. Criteria: ACMG Guidelines, 2015. Collection method: clinical testing. Allele origin: germline.
Comment: This variant is classified as benign based on ACMG/AMP sequence variant interpretation guidelines (Richards et al. 2015 PMID: 25741868, with internal and published modifications).

Women's Health and Genetics/Laboratory Corporation of America, LabCorp
Classification: Likely benign. Last evaluated: 2026-02-13. Review status: criteria provided, single submitter. Criteria: LabCorp Variant Classification Summary - May 2015. Collection method: clinical testing. Allele origin: germline.
Comment: Variant summary: ZNF469 c.1994C>T (p.Pro665Leu) results in a non-conservative amino acid change in the encoded protein sequence. Algorithms developed to predict the effect of missense changes on protein structure and function are either unavailable or do not agree on the potential impact of this missense change. The variant allele was found at a frequency of 0.0057 in 149646 control chromosomes in the gnomAD database, including 6 homozygotes. The observed variant frequency exceeds the estimated maximal expected allele frequency for disease-causing variants in ZNF469. To our knowledge, no occurrence of c.1994C>T in individuals affected with ZNF469-related conditions and no experimental evidence demonstrating its impact on protein function have been reported. ClinVar contains an entry for this variant (Variation ID: 320878). Based on the evidence outlined above, the variant was classified as likely benign.

Labcorp Genetics (formerly Invitae), Labcorp
Classification: Benign. Last evaluated: 2026-02-02. Review status: criteria provided, single submitter. Criteria: Invitae Variant Classification Sherloc (09022015). Collection method: clinical testing. Allele origin: germline.

Blueprint Genetics
Classification: Likely benign. Last evaluated: 2024-11-25. Review status: criteria provided, single submitter. Criteria: ACMG Guidelines, 2015. Collection method: clinical testing. Allele origin: germline.

Mayo Clinic Laboratories, Mayo Clinic
Classification: Benign. Last evaluated: 2023-02-01. Review status: criteria provided, single submitter. Criteria: ACMG Guidelines, 2015. Collection method: clinical testing. Allele origin: germline. Observed: 44 variant alleles.
Comment: BS1, BS2, BP4

Genome Diagnostics Laboratory, The Hospital for Sick Children
Classification: Benign for Ehlers-Danlos syndrome. Last evaluated: 2022-05-03. Review status: criteria provided, single submitter. Criteria: ACMG Guidelines, 2015. Collection method: clinical testing. Allele origin: germline.

Genome-Nilou Lab
Classification: Benign for Brittle cornea syndrome 1. Last evaluated: 2021-12-05. Review status: criteria provided, single submitter. Criteria: ACMG Guidelines, 2015. Collection method: clinical testing. Allele origin: germline. Affected: no.

GeneDx
Classification: Benign. Last evaluated: 2020-06-11. Review status: criteria provided, single submitter. Criteria: GeneDx Variant Classification Process June 2021. Collection method: clinical testing. Allele origin: germline. Affected: yes.
Comment: This variant is associated with the following publications: (PMID: 24895405, 29228253)

Ambry Genetics
Classification: Benign for Cardiovascular phenotype. Last evaluated: 2019-01-04. Review status: criteria provided, single submitter. Criteria: Ambry Variant Classification Scheme 2023. Collection method: clinical testing. Allele origin: germline.

Literature cited by the submitters: PubMed 29228253 (cited by Ambry Genetics).